The following is an entry in ClinVar:

NM_000288.4(PEX7):c.184A>G (p.Arg62Gly)

Gene: PEX7 (peroxisomal biogenesis factor 7; plus strand). Cytogenetic location: 6q23.3.
Variant type: single nucleotide variant.
Coding change: c.184A>G on transcript NM_000288.4 (MANE Select); coding-DNA position 184, A replaced by G.
Protein change: p.Arg62Gly; replaces arginine 62 with glycine.
Molecular consequence: missense variant.
Genome position (GRCh38, 1-based): chr6:136,825,267, A>G. VCF-style: chr6-136825267-A-G. GRCh37 (hg19) VCF-style: chr6-137146405-A-G.
Other names: c.70A>G, p.Arg24Gly (NM_001410945.1); short protein forms R24G, R62G.
Identifiers: ClinVar variation 2725269 (VCV002725269.3), dbSNP rs758835413, ClinGen allele CA4017509.

ClinVar aggregate classification (germline): Uncertain significance (1 of 4 stars; one submission).

Conditions:
Peroxisome biogenesis disorder 9B. Also called: PEX7-Related Refsum Disease; PEROXISOME BIOGENESIS DISORDER, PEX7-RELATED, ATYPICAL; Refsum disease, adult, 2. Identifiers: Orphanet 773, MedGen C2749346, MONDO:0013945, OMIM 614879.

Allele frequency attached by ClinVar (database versions not stated): ExAC 0.00001.
gnomAD v4.1: 1 of 1,611,956 alleles (0.000062%); highest among the groups gnomAD compares: Non-Finnish European, 0.000085%; no homozygotes.

Submission:

Labcorp Genetics (formerly Invitae), Labcorp
Classification: Uncertain significance for Peroxisome biogenesis disorder 9B. Last evaluated: 2023-04-11. Review status: criteria provided, single submitter. Criteria: Invitae Variant Classification Sherloc (09022015). Collection method: clinical testing. Allele origin: germline.
Comment: An algorithm developed to predict the effect of missense changes on protein structure and function (PolyPhen-2) suggests that this variant is likely to be tolerated. This variant has not been reported in the literature in individuals affected with PEX7-related conditions. This variant is present in population databases (rs758835413, gnomAD 0.0009%). This sequence change replaces arginine, which is basic and polar, with glycine, which is neutral and non-polar, at codon 62 of the PEX7 protein (p.Arg62Gly). In summary, the available evidence is currently insufficient to determine the role of this variant in disease. Therefore, it has been classified as a Variant of Uncertain Significance.